The following is an entry in ClinVar:

ClinVar aggregate classification (germline): Uncertain significance. Review status: criteria provided, single submitter (1 of 4 stars). 3 submissions from 3 submitters: Uncertain significance (1). 2 of the submissions do not count toward it. Last evaluated 2022-07-12.

Conditions:
Evans syndrome, immunodeficiency, and premature immunosenescence associated with tripeptidyl-peptidase II deficiency. Identifiers: MedGen CN231723. Disease mechanism: loss of function.

Allele frequency attached by ClinVar (database versions not stated): ExAC 0.00001; gnomAD exomes 0.00001; gnomAD 0.00003 and 0.00004; TOPMed 0.00005; ESP Exome Variant Server 0.00008.
gnomAD v4.1: 9 of 1,604,196 alleles (0.00056%); highest among the groups gnomAD compares: African/African-American, 0.012%; no homozygotes.

Submissions (3):

Labcorp Genetics (formerly Invitae), Labcorp
Classification: Uncertain significance for Evans syndrome, immunodeficiency, and premature immunosenescence associated with tripeptidyl-peptidase II deficiency. Last evaluated: 2022-07-12. Review status: criteria provided, single submitter. Criteria: Invitae Variant Classification Sherloc (09022015). Collection method: clinical testing. Allele origin: germline.
Comment: In summary, the available evidence is currently insufficient to determine the role of this variant in disease. Therefore, it has been classified as a Variant of Uncertain Significance. Variants that disrupt the consensus splice site are a relatively common cause of aberrant splicing (PMID: 17576681, 9536098). Algorithms developed to predict the effect of sequence changes on RNA splicing suggest that this variant may disrupt the consensus splice site. ClinVar contains an entry for this variant (Variation ID: 648846). This variant has not been reported in the literature in individuals affected with TPP2-related conditions. This variant is present in population databases (rs376579048, gnomAD 0.02%). This sequence change falls in intron 4 of the TPP2 gene. It does not directly change the encoded amino acid sequence of the TPP2 protein. It affects a nucleotide within the consensus splice site.

Clinical Genetics DNA and cytogenetics Diagnostics Lab, Erasmus MC, Erasmus Medical Center
Classification: Likely benign. Review status: no assertion criteria provided. Collection method: clinical testing. Allele origin: germline. Affected: yes. Study: VKGL Data-share Consensus. Not counted in ClinVar's aggregate classification.

Genome Diagnostics Laboratory, University Medical Center Utrecht
Classification: Likely benign. Review status: no assertion criteria provided. Collection method: clinical testing. Allele origin: germline. Affected: yes. Study: VKGL Data-share Consensus. Not counted in ClinVar's aggregate classification.

Literature cited by the submitters: PubMed 17576681 (cited by Labcorp Genetics (formerly Invitae), Labcorp); PubMed 9536098 (cited by Labcorp Genetics (formerly Invitae), Labcorp).

NM_001330588.2(TPP2):c.495+4G>C

Gene: TPP2 (tripeptidyl peptidase 2; plus strand). Cytogenetic location: 13q33.1.
Variant type: single nucleotide variant.
Coding change: c.495+4G>C on transcript NM_001330588.2 (MANE Select); 4 bases into the intron after coding-DNA position 495, G replaced by C.
Molecular consequence: intron variant.
Genome position (GRCh38, 1-based): chr13:102,616,504, G>C. VCF-style: chr13-102616504-G-C. GRCh37 (hg19) VCF-style: chr13-103268854-G-C.
Other names: c.495+4G>C (LRG_1341t1, NM_001367947.1, NM_003291.4).
Identifiers: ClinVar variation 648846 (VCV000648846.8), dbSNP rs376579048, ClinGen allele CA7037525.